The following is an entry in ClinVar:

ClinVar aggregate classification (germline): Uncertain significance (1 of 4 stars; one submission).

Conditions:
Spastic paraplegia. Identifiers: MedGen C0037772, HP:0001258.

Allele frequency attached by ClinVar (database versions not stated): gnomAD exomes below 0.00001 and 0.00001; gnomAD 0.00001.
gnomAD v4.1: 5 of 1,613,748 alleles (0.00031%); highest among the groups gnomAD compares: Non-Finnish European, 0.00042%; no homozygotes.

Submission:

Labcorp Genetics (formerly Invitae), Labcorp
Classification: Uncertain significance for Spastic paraplegia. Last evaluated: 2021-08-28. Review status: criteria provided, single submitter. Criteria: Invitae Variant Classification Sherloc (09022015). Collection method: clinical testing. Allele origin: germline.
Comment: This sequence change replaces valine with leucine at codon 1532 of the ZFYVE26 protein (p.Val1532Leu). The valine residue is moderately conserved and there is a small physicochemical difference between valine and leucine. This variant is not present in population databases (ExAC no frequency). This variant has not been reported in the literature in individuals affected with ZFYVE26-related conditions. Algorithms developed to predict the effect of missense changes on protein structure and function output the following: SIFT: "Tolerated"; PolyPhen-2: "Benign"; Align-GVGD: "Class C0". The leucine amino acid residue is found in multiple mammalian species, which suggests that this missense change does not adversely affect protein function. In summary, the available evidence is currently insufficient to determine the role of this variant in disease. Therefore, it has been classified as a Variant of Uncertain Significance.

NM_015346.4(ZFYVE26):c.4594G>T (p.Val1532Leu)

Gene: ZFYVE26 (zinc finger FYVE-type containing 26; minus strand). Cytogenetic location: 14q24.1.
Variant type: single nucleotide variant.
Coding change: c.4594G>T on transcript NM_015346.4 (MANE Select); coding-DNA position 4594, G replaced by T.
Protein change: p.Val1532Leu; replaces valine 1532 with leucine.
Molecular consequence: missense variant.
Genome position (GRCh38, 1-based): chr14:67,780,321, C>A on the plus strand (G>T on the coding strand, the complement: ZFYVE26 is on the minus strand). VCF-style: chr14-67780321-C-A. GRCh37 (hg19) VCF-style: chr14-68247038-C-A.
Other names: short protein forms V1532L.
Identifiers: ClinVar variation 1035154 (VCV001035154.6), dbSNP rs1171607580, ClinGen allele CA390169459.